The following is an entry in ClinVar:

ClinVar aggregate classification (germline): Benign. Review status: criteria provided, single submitter (1 of 4 stars). 2 submissions from 1 submitter: Benign (2). Last evaluated 2018-01-12.

Conditions:
Susceptibility to mononeuropathy of the median nerve, mild. Also called: CARPAL TUNNEL SYNDROME, SUSCEPTIBILITY TO. Identifiers: MedGen C3150596, MONDO:0013237, OMIM 613353.
Charcot-Marie-Tooth disease type 4C (CMT4C). Also called: CHARCOT-MARIE-TOOTH DISEASE, DEMYELINATING, AUTOSOMAL RECESSIVE, TYPE 4C; CMT 4C; Charcot-Marie-Tooth Neuropathy Type 4C (CMT4C); CHARCOT-MARIE-TOOTH DISEASE, DEMYELINATING, TYPE 4C; SH3TC2-Related Hereditary Motor and Sensory Neuropathy. Identifiers: Orphanet 99949, MedGen C1866636, MONDO:0011113, OMIM 601596.

Allele frequency attached by ClinVar (database versions not stated): gnomAD 0.00126 and 0.00157; TOPMed 0.00203; 1000 Genomes Project 30x 0.00531; 1000 Genomes Project 0.00539.
gnomAD v4.1: 239 of 152,336 alleles (0.16%); highest among the groups gnomAD compares: East Asian, 2.4%; 1 homozygote.

Submissions (2):

Illumina Laboratory Services, Illumina
Classification: Benign for Charcot-Marie-Tooth disease type 4C. Last evaluated: 2018-01-12. Review status: criteria provided, single submitter. Criteria: ICSL Variant Classification Criteria 13 December 2019. Collection method: clinical testing. Allele origin: germline.
Comment: This variant was observed in the ICSL laboratory as part of a predisposition screen in an ostensibly healthy population. It had not been previously curated by ICSL or reported in the Human Gene Mutation Database (HGMD: prior to June 1st, 2018), and was therefore a candidate for classification through an automated scoring system. Utilizing variant allele frequency, disease prevalence and penetrance estimates, and inheritance mode, an automated score was calculated to assess if this variant is too frequent to cause the disease. Based on the score and internal cut-off values, a variant classified as benign is not then subjected to further curation. The score for this variant resulted in a classification of benign for this disease.

Illumina Laboratory Services, Illumina
Classification: Benign for Susceptibility to mononeuropathy of the median nerve, mild. Last evaluated: 2018-01-12. Review status: criteria provided, single submitter. Criteria: ICSL Variant Classification Criteria 13 December 2019. Collection method: clinical testing. Allele origin: germline.
Comment: the same text as in the submission from Illumina Laboratory Services, Illumina above.

NM_024577.4(SH3TC2):c.*4555A>G

Gene: SH3TC2 (SH3 domain and tetratricopeptide repeats 2; minus strand). Cytogenetic location: 5q32.
Variant type: single nucleotide variant.
Coding change: c.*4555A>G on transcript NM_024577.4 (MANE Select); 4555 bases downstream of the stop codon, A replaced by G.
Molecular consequence: 3 prime UTR variant.
Genome position (GRCh38, 1-based): chr5:149,000,156, T>C on the plus strand (A>G on the coding strand, the complement: SH3TC2 is on the minus strand). VCF-style: chr5-149000156-T-C. GRCh37 (hg19) VCF-style: chr5-148379719-T-C.
Identifiers: ClinVar variation 351821 (VCV000351821.5), dbSNP rs117287440, ClinGen allele CA10619558.